The following is an entry in ClinVar:

ClinVar aggregate classification (germline): Pathogenic. Review status: reviewed by expert panel (3 of 4 stars). 2 submissions from 2 submitters: Pathogenic (1). 1 of the submissions does not count toward it. Last evaluated 2017-12-15.

Conditions:
Breast-ovarian cancer, familial, susceptibility to, 1 (BROVCA1). Also called: BRCA1 Hereditary Breast and Ovarian Cancer; OVARIAN CANCER, SUSCEPTIBILITY TO. Identifiers: Orphanet 145, MedGen C2676676, MONDO:0011450, OMIM 604370. Disease mechanism: loss of function.

Submissions (2):

Evidence-based Network for the Interpretation of Germline Mutant Alleles (ENIGMA)
Classification: Pathogenic for Breast-ovarian cancer, familial, susceptibility to, 1. Last evaluated: 2017-12-15. Review status: reviewed by expert panel. Criteria: ENIGMA BRCA1/2 Classification Criteria (2017-06-29). Collection method: curation. Allele origin: germline. Study: ENIGMA.
Comment: Variant allele predicted to encode a truncated non-functional protein.

Quest Diagnostics Nichols Institute San Juan Capistrano
Classification: Likely pathogenic. Last evaluated: 2016-12-09. Review status: criteria provided, single submitter. Criteria: Quest Diagnostics criteria. Collection method: clinical testing. Allele origin: germline. Not counted in ClinVar's aggregate classification.

NM_007294.4(BRCA1):c.1723dup (p.Glu575fs)

Gene: BRCA1 (BRCA1 DNA repair associated; minus strand). Cytogenetic location: 17q21.31.
Variant type: Duplication.
Coding change: c.1723dup on transcript NM_007294.4 (MANE Select); coding-DNA position 1723, one base duplicated (G; older notation c.1723dupG).
Protein change: p.Glu575fs; shifts the reading frame from glutamic acid 575.
Molecular consequence: frameshift variant. On other transcripts: intron variant (137).
Genome position (GRCh38, 1-based): chr17:43,093,808, C duplicated on the plus strand (G on the coding strand, the reverse complement: BRCA1 is on the minus strand). VCF-style (leftmost placement, unchanged base first): chr17-43093807-T-TC. GRCh37 (hg19) VCF-style: chr17-41245824-T-TC.
Other names: c.1723dupG (NM_007294.3); c.1510dup, p.Glu504fs (NM_001407571.1, NM_001407853.1, NM_001407894.1 and 9 more transcripts); c.1723dup, p.Glu575fs (NM_001407581.1, NM_001407582.1, NM_001407583.1 and 30 more transcripts); c.1720dup, p.Glu574fs (NM_001407587.1, NM_001407590.1, NM_001407591.1 and 22 more transcripts); c.1714dup, p.Glu572fs (NM_001407646.1, NM_001407647.1); c.1600dup, p.Glu534fs (NM_001407648.1, NM_001407664.1, NM_001407665.1 and 19 more transcripts); c.1597dup, p.Glu533fs (NM_001407649.1, NM_001407670.1, NM_001407671.1 and 11 more transcripts); c.1645dup, p.Glu549fs (NM_001407653.1, NM_001407654.1, NM_001407655.1 and 4 more transcripts); and 41 more; short protein forms E528fs, E575fs, E279fs, E464fs, E486fs, E505fs, E548fs, E572fs.
Identifiers: ClinVar variation 438914 (VCV000438914.3), dbSNP rs1555591335, ClinGen allele CA645509517.